The following is an entry in ClinVar:

NM_182758.4(WDR72):c.561G>A (p.Trp187Ter)

Gene: WDR72 (WD repeat domain 72; minus strand). Cytogenetic location: 15q21.3.
Variant type: single nucleotide variant.
Coding change: c.561G>A on transcript NM_182758.4 (MANE Select); coding-DNA position 561, G replaced by A.
Protein change: p.Trp187Ter; replaces tryptophan 187 with a stop codon.
Molecular consequence: nonsense. On other transcripts: non-coding transcript variant (1).
Genome position (GRCh38, 1-based): chr15:53,714,464, C>T on the plus strand (G>A on the coding strand, the complement: WDR72 is on the minus strand). VCF-style: chr15-53714464-C-T. GRCh37 (hg19) VCF-style: chr15-54006661-C-T.
Other names: short protein forms W187*.
Identifiers: ClinVar variation 3603287 (VCV003603287.1).

ClinVar aggregate classification (germline): Likely pathogenic (1 of 4 stars; one submission).

Conditions:
Amelogenesis imperfecta hypomaturation type 2A3. Also called: Amelogenesis imperfecta, type IIA3. Identifiers: Orphanet 88661, MedGen C2750771, MONDO:0013181, OMIM 613211. Disease mechanism: loss of function.

Submission:

Neuberg Centre For Genomic Medicine, NCGM
Classification: Likely pathogenic for Amelogenesis imperfecta hypomaturation type 2A3. Last evaluated: 2023-06-22. Review status: criteria provided, single submitter. Criteria: ACMG Guidelines, 2015. Collection method: clinical testing. Allele origin: germline. Inheritance: Autosomal recessive inheritance. Affected: yes.
Comment: The stop gained variant c.561G>A (p.Trp187Ter) in the WDR72 gene has not been reported previously as a pathogenic variant nor as a benign variant, to our knowledge. The variant is absent in the gnomAD Exomes. This variant is predicted to cause loss of normal protein function through protein truncation. Loss of function variants has been previously reported to be disease-causing (Rungroj et al., 2018). For these reasons, this variant has been classified as Likely Pathogenic.